The following is an entry in ClinVar:

ClinVar aggregate classification (germline): Uncertain significance (1 of 4 stars; one submission).

Conditions:
Inborn genetic diseases. Identifiers: MedGen C0950123, MeSH D030342.

Submission:

Ambry Genetics
Classification: Uncertain significance for Inborn genetic diseases. Last evaluated: 2024-06-20. Review status: criteria provided, single submitter. Criteria: Ambry Variant Classification Scheme 2023. Collection method: clinical testing. Allele origin: germline.
Comment: The p.L1128P variant (also known as c.3383T>C), located in coding exon 25 of the LRRK2 gene, results from a T to C substitution at nucleotide position 3383. The leucine at codon 1128 is replaced by proline, an amino acid with similar properties. This amino acid position is conserved. In addition, the in silico prediction for this alteration is inconclusive. Based on the available evidence, the clinical significance of this variant remains unclear.

NM_198578.4(LRRK2):c.3383T>C (p.Leu1128Pro)

Gene: LRRK2 (leucine rich repeat kinase 2; plus strand). Cytogenetic location: 12q12.
Variant type: single nucleotide variant.
Coding change: c.3383T>C on transcript NM_198578.4 (MANE Select); coding-DNA position 3383, T replaced by C.
Protein change: p.Leu1128Pro; replaces leucine 1128 with proline.
Molecular consequence: missense variant.
Genome position (GRCh38, 1-based): chr12:40,299,144, T>C. VCF-style: chr12-40299144-T-C. GRCh37 (hg19) VCF-style: chr12-40692946-T-C.
Other names: short protein forms L1128P.
Identifiers: ClinVar variation 3292075 (VCV003292075.1).